The following is an entry in ClinVar:

ClinVar aggregate classification (germline): Pathogenic (1 of 4 stars; one submission).

Submission:

Labcorp Genetics (formerly Invitae), Labcorp
Classification: Pathogenic. Last evaluated: 2021-02-01. Review status: criteria provided, single submitter. Criteria: Invitae Variant Classification Sherloc (09022015). Collection method: clinical testing. Allele origin: germline.
Comment: This sequence change creates a premature translational stop signal (p.Glu1246Glyfs*42) in the RUSC2 gene. It is expected to result in an absent or disrupted protein product. Loss-of-function variants in RUSC2 are known to be pathogenic (PMID: 27612186). This variant is not present in population databases (ExAC no frequency). This variant has not been reported in the literature in individuals with RUSC2-related conditions. For these reasons, this variant has been classified as Pathogenic.

Literature cited by the submitters: PubMed 27612186.

NM_014806.5(RUSC2):c.3734dup (p.Glu1246fs)

Gene: RUSC2 (RUN and SH3 domain containing 2; plus strand). Cytogenetic location: 9p13.3.
Variant type: Duplication.
Coding change: c.3734dup on transcript NM_014806.5 (MANE Select); coding-DNA position 3734, one base duplicated (A; older notation c.3734dupA).
Protein change: p.Glu1246fs; shifts the reading frame from glutamic acid 1246.
Molecular consequence: frameshift variant. On other transcripts: non-coding transcript variant (1).
Genome position (GRCh38, 1-based): chr9:35,560,374, A duplicated. VCF-style (leftmost placement, unchanged base first): chr9-35560373-G-GA. GRCh37 (hg19) VCF-style: chr9-35560370-G-GA.
Other names: c.3734dup, p.Glu1246fs (NM_001135999.2); c.1100dup, p.Glu368fs (NM_001330740.2); short protein forms E368fs, E1246fs.
Identifiers: ClinVar variation 1452735 (VCV001452735.7), dbSNP rs2131706613, ClinGen allele CA2573144613.